The following is an entry in ClinVar:

NM_001143854.2(RPH3A):c.957G>C (p.Pro319=)

Gene: RPH3A (rabphilin 3A; plus strand). Cytogenetic location: 12q24.13.
Variant type: single nucleotide variant.
Coding change: c.957G>C on transcript NM_001143854.2 (MANE Select); coding-DNA position 957, G replaced by C.
Protein change: p.Pro319=; no amino-acid change (proline 319 retained).
Molecular consequence: synonymous variant. On other transcripts: non-coding transcript variant (2).
Genome position (GRCh38, 1-based): chr12:112,876,652, G>C. VCF-style: chr12-112876652-G-C. GRCh37 (hg19) VCF-style: chr12-113314457-G-C.
Other names: c.957G>C, p.Pro319= (NM_001347952.2, NM_001347953.1, NM_001347954.2); c.756G>C, p.Pro252= (NM_001347955.2); c.945G>C, p.Pro315= (NM_014954.4).
Identifiers: ClinVar variation 4978593 (VCV004978593.1).

ClinVar aggregate classification (germline): Likely benign (1 of 4 stars; one submission).

Conditions:
RPH3A-related condition.

gnomAD v4.1: 28 of 1,606,658 alleles (0.0017%); highest among the groups gnomAD compares: African/African-American, 0.025%; no homozygotes.

Submission:

PreventionGenetics, part of Exact Sciences
Classification: Likely benign for RPH3A-related condition. Last evaluated: 2026-08-04. Review status: criteria provided, single submitter. Criteria: ACMG Guidelines, 2015. Collection method: clinical testing. Allele origin: germline.
Comment: This variant is classified as likely benign based on ACMG/AMP sequence variant interpretation guidelines (Richards et al. 2015 PMID: 25741868, with internal and published modifications).